The following is an entry in ClinVar:

ClinVar aggregate classification (germline): Benign/Likely benign. Review status: criteria provided, multiple submitters, no conflicts (2 of 4 stars). 14 submissions from 14 submitters: Benign (3); Likely benign (8). 3 of the submissions do not count toward it. Last evaluated 2026-08-01.

Conditions:
RNASEH2C-related disorder. Also called: RNASEH2C-related condition.
Aicardi-Goutieres syndrome 3. Identifiers: Orphanet 51, MedGen C1835916, MONDO:0012471, OMIM 610329.

Allele frequency attached by ClinVar (database versions not stated): 1000 Genomes Project 0.00080; 1000 Genomes Project 30x 0.00109; gnomAD 0.00159; ESP Exome Variant Server 0.00177; ExAC 0.00240; TOPMed 0.00244; gnomAD exomes 0.00252.

Submissions (33):

CeGaT Center for Human Genetics Tuebingen
Classification: Likely benign. Last evaluated: 2026-08-01. Review status: criteria provided, single submitter. Criteria: CeGaT Center For Human Genetics Tuebingen Variant Classification Criteria Version 2. Collection method: clinical testing. Allele origin: germline. Affected: yes. Observed: 28 variant alleles.
Comment: RNASEH2C: BP4, BP7

Labcorp Genetics (formerly Invitae), Labcorp
Classification: Benign for Aicardi-Goutieres syndrome 3. Last evaluated: 2026-02-04. Review status: criteria provided, single submitter. Criteria: Invitae Variant Classification Sherloc (09022015). Collection method: clinical testing. Allele origin: germline.

Women's Health and Genetics/Laboratory Corporation of America, LabCorp
Classification: Benign. Last evaluated: 2026-01-30. Review status: criteria provided, single submitter. Criteria: LabCorp Variant Classification Summary - May 2015. Collection method: clinical testing. Allele origin: germline.
Comment: Variant summary: RNASEH2C c.468G>T (p.Ala156Ala) alters a conserved nucleotide located close to a canonical splice site and therefore could affect mRNA splicing, leading to a significantly altered protein sequence. Several computational tools predict a significant impact on normal splicing: Four predict the variant weakens a 5' donor site. A functional study suggests the variant may impact splicing, resulting in a portion of transcripts with in an in-frame insertion due to the inclusion of intron 3 (Gunther_2015), although whether this is sufficient to result in a clinical impact is unclear. The variant allele was found at a frequency of 0.0025 in 250582 control chromosomes in the gnomAD database, including 2 homozygotes. The observed variant frequency exceeds the estimated maximal expected allele frequency for disease-causing variants in RNASEH2C. c.468G>T has been observed in the heterozygous state in an individual affected with systemic lupus erythematosus who was described as having limited disease (Gunther_2015, Schulz_2023). These report(s) do not provide unequivocal conclusions about association of the variant with Aicardi-Goutieres syndrome 3. At least one publication reports experimental evidence evaluating an impact on protein function, however, does not allow convincing conclusions about the variant effect (Schulz_2023). The following publications have been ascertained in the context of this evaluation (PMID: 25500883, 36836134). ClinVar contains an entry for this variant (Variation ID: 374648). Based on the evidence outlined above, the variant was classified as benign.

Mayo Clinic Laboratories, Mayo Clinic
Classification: Benign. Last evaluated: 2025-05-20. Review status: criteria provided, single submitter. Criteria: ACMG Guidelines, 2015. Collection method: clinical testing. Allele origin: germline. Observed: 15 variant alleles.
Comment: BS1, BS2, BP4, BP7

Blueprint Genetics
Classification: Likely benign. Last evaluated: 2024-11-27. Review status: criteria provided, single submitter. Criteria: ACMG Guidelines, 2015. Collection method: clinical testing. Allele origin: germline.

Athena Diagnostics
Classification: Likely benign. Last evaluated: 2024-05-07. Review status: criteria provided, single submitter. Criteria: Athena Diagnostics Criteria. Collection method: clinical testing. Allele origin: unknown.

GeneDx
Classification: Likely benign. Last evaluated: 2020-11-02. Review status: criteria provided, single submitter. Criteria: GeneDx Variant Classification Process June 2021. Collection method: clinical testing. Allele origin: germline. Affected: yes.
Comment: Identified in a patient in published literature with lupus (Gunther et al., 2015); In-silico analysis, which includes splice predictors and evolutionary conservation, is inconclusive as to whether the variant alters gene splicing. In the absence of RNA/functional studies, the actual effect of this sequence change is unknown.; This variant is associated with the following publications: (PMID: 25500883)

Illumina Laboratory Services, Illumina
Classification: Likely benign for Aicardi-Goutieres syndrome 3. Last evaluated: 2017-04-27. Review status: criteria provided, single submitter. Criteria: ICSL Variant Classification Criteria 13 December 2019. Collection method: clinical testing. Allele origin: germline.
Comment: This variant was observed as part of a predisposition screen in an ostensibly healthy population. A literature search was performed for the gene, cDNA change, and amino acid change (where applicable). Publications were found based on this search. The evidence from the literature, in combination with allele frequency data from public databases where available, was sufficient to determine this variant is unlikely to cause disease. Therefore, this variant is classified as likely benign.

Genome Diagnostics Laboratory, University Medical Center Utrecht
Classification: Likely benign for Aicardi-Goutieres syndrome 3. Last evaluated: 2016-10-26. Review status: criteria provided, single submitter. Criteria: ACGS Guidelines, 2013. Collection method: clinical testing. Allele origin: germline. Affected: yes. Study: VKGL Data-share Consensus.

Clinical Genetics DNA and cytogenetics Diagnostics Lab, Erasmus MC, Erasmus Medical Center
Classification: Likely benign for Aicardi-Goutieres syndrome 3. Last evaluated: 2015-09-21. Review status: criteria provided, single submitter. Criteria: ACGS Guidelines, 2013. Collection method: clinical testing. Allele origin: germline. Affected: yes. Study: VKGL Data-share Consensus.

Breakthrough Genomics
Classification: Likely benign. Review status: criteria provided, single submitter. Criteria: ACMG Guidelines, 2015. Collection method: not provided. Allele origin: germline. Inheritance: Autosomal recessive inheritance. Affected: yes.

PreventionGenetics, part of Exact Sciences
Classification: Likely benign for RNASEH2C-related condition. Last evaluated: 2020-12-18. Review status: no assertion criteria provided. Collection method: clinical testing. Allele origin: germline. Not counted in ClinVar's aggregate classification.
Comment: This variant is classified as likely benign based on ACMG/AMP sequence variant interpretation guidelines (Richards et al. 2015 PMID: 25741868, with internal and published modifications).

Diagnostic Laboratory, Department of Genetics, University Medical Center Groningen
Classification: Likely benign for Aicardi-Goutieres syndrome 3. Review status: no assertion criteria provided. Collection method: clinical testing. Allele origin: germline. Affected: yes. Study: VKGL Data-share Consensus. Not counted in ClinVar's aggregate classification.

Dr. Peter K. Rogan Lab, Western University
No classification provided (evidence only). Condition: Melanoma. Review status: no classification provided. Collection method: in vitro. Allele origin: not applicable. Functional consequence: retained intron. Not counted in ClinVar's aggregate classification.

Dr. Peter K. Rogan Lab, Western University
No classification provided (evidence only). Condition: Familial cancer of breast. Review status: no classification provided. Collection method: in vitro. Allele origin: not applicable. Functional consequence: retained intron. Not counted in ClinVar's aggregate classification.

Dr. Peter K. Rogan Lab, Western University
No classification provided (evidence only). Condition: Acute myeloid leukemia. Review status: no classification provided. Collection method: in vitro. Allele origin: not applicable. Functional consequence: retained intron. Not counted in ClinVar's aggregate classification.

Dr. Peter K. Rogan Lab, Western University
No classification provided (evidence only). Condition: Colon adenocarcinoma. Review status: no classification provided. Collection method: in vitro. Allele origin: not applicable. Functional consequence: skipped exon, retained intron. Not counted in ClinVar's aggregate classification.

Dr. Peter K. Rogan Lab, Western University
No classification provided (evidence only). Condition: Thyroid cancer, nonmedullary, 1. Review status: no classification provided. Collection method: in vitro. Allele origin: not applicable. Functional consequence: retained intron. Not counted in ClinVar's aggregate classification.

Dr. Peter K. Rogan Lab, Western University
No classification provided (evidence only). Condition: Uterine corpus endometrial carcinoma. Review status: no classification provided. Collection method: in vitro. Allele origin: not applicable. Functional consequence: retained intron. Not counted in ClinVar's aggregate classification.

Dr. Peter K. Rogan Lab, Western University
No classification provided (evidence only). Condition: Cervical cancer. Review status: no classification provided. Collection method: in vitro. Allele origin: not applicable. Functional consequence: retained intron. Not counted in ClinVar's aggregate classification.

Dr. Peter K. Rogan Lab, Western University
No classification provided (evidence only). Condition: Sarcoma. Review status: no classification provided. Collection method: in vitro. Allele origin: not applicable. Functional consequence: retained intron. Not counted in ClinVar's aggregate classification.

Dr. Peter K. Rogan Lab, Western University
No classification provided (evidence only). Condition: Sarcoma. Review status: no classification provided. Collection method: in vitro. Allele origin: not applicable. Functional consequence: skipped exon, retained intron. Not counted in ClinVar's aggregate classification.

Dr. Peter K. Rogan Lab, Western University
No classification provided (evidence only). Condition: Hepatocellular carcinoma. Review status: no classification provided. Collection method: in vitro. Allele origin: not applicable. Functional consequence: retained intron. Not counted in ClinVar's aggregate classification.

Dr. Peter K. Rogan Lab, Western University
No classification provided (evidence only). Condition: Nonpapillary renal cell carcinoma. Review status: no classification provided. Collection method: in vitro. Allele origin: not applicable. Functional consequence: retained intron. Not counted in ClinVar's aggregate classification.

Dr. Peter K. Rogan Lab, Western University
No classification provided (evidence only). Condition: Thymoma. Review status: no classification provided. Collection method: in vitro. Allele origin: not applicable. Functional consequence: skipped exon, retained intron. Not counted in ClinVar's aggregate classification.

Dr. Peter K. Rogan Lab, Western University
No classification provided (evidence only). Condition: Thymoma. Review status: no classification provided. Collection method: in vitro. Allele origin: not applicable. Functional consequence: retained intron. Not counted in ClinVar's aggregate classification.

Dr. Peter K. Rogan Lab, Western University
No classification provided (evidence only). Condition: Ovarian serous cystadenocarcinoma. Review status: no classification provided. Collection method: in vitro. Allele origin: not applicable. Functional consequence: retained intron. Not counted in ClinVar's aggregate classification.

Dr. Peter K. Rogan Lab, Western University
No classification provided (evidence only). Condition: Gastric cancer. Review status: no classification provided. Collection method: in vitro. Allele origin: not applicable. Functional consequence: retained intron. Not counted in ClinVar's aggregate classification.

Dr. Peter K. Rogan Lab, Western University
No classification provided (evidence only). Condition: Gastric cancer. Review status: no classification provided. Collection method: in vitro. Allele origin: not applicable. Functional consequence: retained intron. Not counted in ClinVar's aggregate classification.

Dr. Peter K. Rogan Lab, Western University
No classification provided (evidence only). Condition: Gastric cancer. Review status: no classification provided. Collection method: in vitro. Allele origin: not applicable. Functional consequence: retained intron. Not counted in ClinVar's aggregate classification.

Dr. Peter K. Rogan Lab, Western University
No classification provided (evidence only). Condition: Adrenocortical carcinoma, hereditary. Review status: no classification provided. Collection method: in vitro. Allele origin: not applicable. Functional consequence: retained intron. Not counted in ClinVar's aggregate classification.

Dr. Peter K. Rogan Lab, Western University
No classification provided (evidence only). Condition: Adrenocortical carcinoma, hereditary. Review status: no classification provided. Collection method: in vitro. Allele origin: not applicable. Functional consequence: retained intron. Not counted in ClinVar's aggregate classification.

Laboratory of Diagnostic Genome Analysis, Leiden University Medical Center (LUMC)
Classification: Likely benign. Review status: no assertion criteria provided. Collection method: clinical testing. Allele origin: germline. Affected: yes. Study: VKGL Data-share Consensus. Not counted in ClinVar's aggregate classification.

Literature cited by the submitters: PubMed 25500883 (cited by 4 submitters); PubMed 36836134 (cited by Women's Health and Genetics/Laboratory Corporation of America, LabCorp and Athena Diagnostics); PubMed 33353557 (cited by Athena Diagnostics).

NM_032193.4(RNASEH2C):c.468G>T (p.Ala156=)

Gene: RNASEH2C (ribonuclease H2 subunit C; minus strand). Cytogenetic location: 11q13.1.
Variant type: single nucleotide variant.
Coding change: c.468G>T on transcript NM_032193.4 (MANE Select); coding-DNA position 468, G replaced by T.
Protein change: p.Ala156=; no amino-acid change (alanine 156 retained).
Molecular consequence: synonymous variant.
Genome position (GRCh38, 1-based): chr11:65,720,045, C>A on the plus strand (G>T on the coding strand, the complement: RNASEH2C is on the minus strand). VCF-style: chr11-65720045-C-A. GRCh37 (hg19) VCF-style: chr11-65487516-C-A.
Other names: p.Ala156=.
Identifiers: ClinVar variation 374648 (VCV000374648.68), dbSNP rs61736590, ClinGen allele CA6107680.